The following is an entry in ClinVar:

NM_001351132.2(PEX5):c.965A>G (p.Lys322Arg)

Gene: PEX5 (peroxisomal biogenesis factor 5; plus strand). Cytogenetic location: 12p13.31.
Variant type: single nucleotide variant.
Coding change: c.965A>G on transcript NM_001351132.2 (MANE Select); coding-DNA position 965, A replaced by G.
Protein change: p.Lys322Arg; replaces lysine 322 with arginine.
Molecular consequence: missense variant.
Genome position (GRCh38, 1-based): chr12:7,203,550, A>G. VCF-style: chr12-7203550-A-G. GRCh37 (hg19) VCF-style: chr12-7356146-A-G.
Other names: c.941A>G, p.Lys314Arg (NM_000319.5); c.1010A>G, p.Lys337Arg (NM_001131023.2); c.854A>G, p.Lys285Arg (NM_001131024.2, NM_001351124.3, NM_001351126.2 and 7 more transcripts); c.965A>G, p.Lys322Arg (NM_001131025.2, NM_001131026.2, NM_001300789.3 and 5 more transcripts); c.899A>G, p.Lys300Arg (NM_001351135.3, NM_001351138.2); c.830A>G, p.Lys277Arg (NM_001351139.2, NM_001351140.2, NM_001374649.2); short protein forms K285R, K337R, K314R, K277R, K300R, K322R.
Identifiers: ClinVar variation 1370909 (VCV001370909.8), dbSNP rs770028664, ClinGen allele CA383727492.

ClinVar aggregate classification (germline): Uncertain significance (1 of 4 stars; one submission).

Conditions:
Peroxisome biogenesis disorder 2B (PBD2B). Identifiers: Orphanet 44, MedGen C3550234, MONDO:0008736, OMIM 202370.

Submission:

Labcorp Genetics (formerly Invitae), Labcorp
Classification: Uncertain significance for Peroxisome biogenesis disorder 2B. Last evaluated: 2020-12-26. Review status: criteria provided, single submitter. Criteria: Invitae Variant Classification Sherloc (09022015). Collection method: clinical testing. Allele origin: germline.
Comment: In summary, the available evidence is currently insufficient to determine the role of this variant in disease. Therefore, it has been classified as a Variant of Uncertain Significance. Algorithms developed to predict the effect of sequence changes on RNA splicing suggest that this variant may disrupt the consensus splice site, but this prediction has not been confirmed by published transcriptional studies. Algorithms developed to predict the effect of missense changes on protein structure and function are either unavailable or do not agree on the potential impact of this missense change (SIFT: "Tolerated"; PolyPhen-2: "Possibly Damaging"; Align-GVGD: "Class C0"). This variant has not been reported in the literature in individuals with PEX5-related conditions. This variant is not present in population databases (ExAC no frequency). This sequence change replaces lysine with arginine at codon 322 of the PEX5 protein (p.Lys322Arg). The lysine residue is moderately conserved and there is a small physicochemical difference between lysine and arginine.